The following is an entry in ClinVar:

NM_022455.5(NSD1):c.6425A>C (p.Tyr2142Ser)

Gene: NSD1 (nuclear receptor binding SET domain protein 1; plus strand). Cytogenetic location: 5q35.3.
Variant type: single nucleotide variant.
Coding change: c.6425A>C on transcript NM_022455.5 (MANE Select); coding-DNA position 6425, A replaced by C.
Protein change: p.Tyr2142Ser; replaces tyrosine 2142 with serine.
Molecular consequence: missense variant.
Genome position (GRCh38, 1-based): chr5:177,292,120, A>C. VCF-style: chr5-177292120-A-C. GRCh37 (hg19) VCF-style: chr5-176719121-A-C.
Other names: c.5552A>C, p.Tyr1851Ser (NM_001365684.2, NM_001409308.1, NM_172349.5); c.6425A>C, p.Tyr2142Ser (NM_001409301.1, NM_001409302.1, NM_001409303.1); c.6005A>C, p.Tyr2002Ser (NM_001409304.1); c.5672A>C, p.Tyr1891Ser (NM_001409305.1); c.5663A>C, p.Tyr1888Ser (NM_001409306.1, NM_001409307.1); c.5303A>C, p.Tyr1768Ser (NM_001409309.1); short protein forms Y2142S, Y1873S, Y1768S, Y2002S, Y1888S, Y1891S, Y1851S.
Identifiers: ClinVar variation 372889 (VCV000372889.1), dbSNP rs1057518051, ClinGen allele CA16042611.

ClinVar aggregate classification (germline): Likely pathogenic (1 of 4 stars; one submission).

Submission:

GeneDx
Classification: Likely pathogenic. Last evaluated: 2016-01-26. Review status: criteria provided, single submitter. Criteria: GeneDx Variant Classification (06012015). Collection method: clinical testing. Allele origin: germline. Affected: yes.
Comment: The Y2142S variant has notbeen published as a pathogenic variant, nor has it been reported as a benign variant to our knowledge. It was notobserved in approximately 6,500 individuals of European and African American ancestry in the NHLBI ExomeSequencing Project, indicating it is not a common benign variant in these populations. The Y2142S variant is asemi-conservative amino acid substitution, which may impact secondary protein structure as these residues differ insome properties. This substitution alters a conserved position predicted to be within the PHD-type Zinc finger 4 of theNSD1 protein. A different missense variant in the same codon (Y2142N) as well as multiple missense variants innearby residues have been reported in the Human Gene Mutation Database in association with Sotos syndrome(Stenson et al., 2014), supporting the functional importance of this region of the protein. In silico analysis predictsthis variant is probably damaging to the protein structure/function. Therefore, this variant is likely pathogenic;however, the possibility that it is benign cannot be excluded.